The following is an entry in ClinVar:

ClinVar aggregate classification (germline): Benign. Review status: criteria provided, multiple submitters, no conflicts (2 of 4 stars). 3 submissions from 3 submitters: Benign (3). Last evaluated 2024-07-15.

Allele frequency attached by ClinVar (database versions not stated): ESP Exome Variant Server 0.05664; gnomAD 0.06883; 1000 Genomes Project 0.11002; TOPMed 0.07777; 1000 Genomes Project 30x 0.11056.
gnomAD v4.1: 107,093 of 1,595,898 alleles (6.7%); highest among the groups gnomAD compares: East Asian, 18%; 4,636 homozygotes.

Submissions (3):

Unidad de Genómica Garrahan, Hospital de Pediatría Garrahan
Classification: Benign. Last evaluated: 2024-07-15. Review status: criteria provided, single submitter. Criteria: ACMG Guidelines, 2015. Collection method: clinical testing. Allele origin: germline. Affected: no. Observed: 26 variant alleles.
Comment: This variant is classified as Benign based on local population frequency. This variant was detected in 28% of patients studied in a panel designed for Epileptic and Developmental Encephalopathy and Progressive Myoclonus Epilepsy. Number of patients: 26. Only high quality variants are reported.

GeneDx
Classification: Benign. Last evaluated: 2018-06-14. Review status: criteria provided, single submitter. Criteria: GeneDx Variant Classification (06012015). Collection method: clinical testing. Allele origin: germline. Affected: yes.
Comment: This variant is considered likely benign or benign based on one or more of the following criteria: it is a conservative change, it occurs at a poorly conserved position in the protein, it is predicted to be benign by multiple in silico algorithms, and/or has population frequency not consistent with disease.

Breakthrough Genomics
Classification: Benign. Review status: criteria provided, single submitter. Criteria: ACMG Guidelines, 2015. Collection method: not provided. Allele origin: germline. Inheritance: Autosomal dominant inheritance. Affected: yes.

NM_004408.4(DNM1):c.2535-1604G>T

Gene: DNM1 (dynamin 1; plus strand). Cytogenetic location: 9q34.11.
Variant type: single nucleotide variant.
Coding change: c.2535-1604G>T on transcript NM_004408.4 (MANE Select); 1604 bases into the intron before coding-DNA position 2535, G replaced by T.
Molecular consequence: intron variant.
Genome position (GRCh38, 1-based): chr9:128,253,050, G>T. VCF-style: chr9-128253050-G-T. GRCh37 (hg19) VCF-style: chr9-131015329-G-T.
Other names: c.2535-51G>T (NM_001005336.3, NM_001288738.2, NM_001288737.2); c.2535-1604G>T (NM_001288739.2).
Identifiers: ClinVar variation 681695 (VCV000681695.4), dbSNP rs2267957, ClinGen allele CA5258457.